The following is an entry in ClinVar:

ClinVar aggregate classification (germline): Uncertain significance (1 of 4 stars; one submission).

Submission:

GeneDx
Classification: Uncertain significance. Last evaluated: 2024-04-04. Review status: criteria provided, single submitter. Criteria: GeneDx Variant Classification Process June 2021. Collection method: clinical testing. Allele origin: germline. Affected: yes.
Comment: Not observed at significant frequency in large population cohorts (gnomAD); In silico analysis supports that this missense variant has a deleterious effect on protein structure/function; Has not been previously published as pathogenic or benign to our knowledge

NM_080552.3(SLC32A1):c.425T>C (p.Leu142Pro)

Gene: SLC32A1 (solute carrier family 32 member 1; plus strand). Cytogenetic location: 20q11.23.
Variant type: single nucleotide variant.
Coding change: c.425T>C on transcript NM_080552.3 (MANE Select); coding-DNA position 425, T replaced by C.
Protein change: p.Leu142Pro; replaces leucine 142 with proline.
Molecular consequence: missense variant.
Genome position (GRCh38, 1-based): chr20:38,727,486, T>C. VCF-style: chr20-38727486-T-C. GRCh37 (hg19) VCF-style: chr20-37356129-T-C.
Other names: short protein forms L142P.
Identifiers: ClinVar variation 3372076 (VCV003372076.1).